The following is an entry in ClinVar:

ClinVar aggregate classification (germline): Uncertain significance (1 of 4 stars; one submission).

Conditions:
Hypertrophic cardiomyopathy 19. Also called: Familial hypertrophic cardiomyopathy 19. Identifiers: MedGen CN077603, MONDO:0013476.

Allele frequency attached by ClinVar (database versions not stated): gnomAD 0.00001; ExAC 0.00002; TOPMed 0.00003.
gnomAD v4.1: 21 of 1,606,204 alleles (0.0013%); highest among the groups gnomAD compares: Admixed American, 0.012%; no homozygotes.

Submission:

Labcorp Genetics (formerly Invitae), Labcorp
Classification: Uncertain significance for Hypertrophic cardiomyopathy 19. Last evaluated: 2025-05-02. Review status: criteria provided, single submitter. Criteria: Invitae Variant Classification Sherloc (09022015). Collection method: clinical testing. Allele origin: germline.
Comment: This sequence change replaces aspartic acid, which is acidic and polar, with tyrosine, which is neutral and polar, at codon 140 of the CALR3 protein (p.Asp140Tyr). This variant is present in population databases (rs762455628, gnomAD 0.009%). This variant has not been reported in the literature in individuals affected with CALR3-related conditions. ClinVar contains an entry for this variant (Variation ID: 2159934). Invitae Evidence Modeling of protein sequence and biophysical properties (such as structural, functional, and spatial information, amino acid conservation, physicochemical variation, residue mobility, and thermodynamic stability) indicates that this missense variant is not expected to disrupt CALR3 protein function with a negative predictive value of 80%. Algorithms developed to predict the effect of sequence changes on RNA splicing suggest that this variant may disrupt the consensus splice site. In summary, the available evidence is currently insufficient to determine the role of this variant in disease. Therefore, it has been classified as a Variant of Uncertain Significance.

NM_145046.5(CALR3):c.418G>T (p.Asp140Tyr)

Gene: CALR3 (calreticulin 3; minus strand). Cytogenetic location: 19p13.11.
Variant type: single nucleotide variant.
Coding change: c.418G>T on transcript NM_145046.5 (MANE Select); coding-DNA position 418, G replaced by T.
Protein change: p.Asp140Tyr; replaces aspartic acid 140 with tyrosine.
Molecular consequence: missense variant.
Genome position (GRCh38, 1-based): chr19:16,485,237, C>A on the plus strand (G>T on the coding strand, the complement: CALR3 is on the minus strand). VCF-style: chr19-16485237-C-A. GRCh37 (hg19) VCF-style: chr19-16596048-C-A.
Other names: short protein forms D140Y.
Identifiers: ClinVar variation 2159934 (VCV002159934.4), dbSNP rs762455628, ClinGen allele CA9278410.